The following is an entry in ClinVar:

NM_015662.3(IFT172):c.615G>A (p.Trp205Ter)

Gene: IFT172 (intraflagellar transport 172; minus strand). Cytogenetic location: 2p23.3.
Variant type: single nucleotide variant.
Coding change: c.615G>A on transcript NM_015662.3 (MANE Select); coding-DNA position 615, G replaced by A.
Protein change: p.Trp205Ter; replaces tryptophan 205 with a stop codon.
Molecular consequence: nonsense.
Genome position (GRCh38, 1-based): chr2:27,481,216, C>T on the plus strand (G>A on the coding strand, the complement: IFT172 is on the minus strand). VCF-style: chr2-27481216-C-T. GRCh37 (hg19) VCF-style: chr2-27704083-C-T.
Other names: c.615G>A, p.Trp205Ter (NM_001410739.1); short protein forms W205*.
Identifiers: ClinVar variation 5000146 (VCV005000146.1).

ClinVar aggregate classification (germline): Likely pathogenic (1 of 4 stars; one submission).

Conditions:
IFT172-related disorder. Also called: IFT172-related condition; IFT172-related disorders.

gnomAD v4.1: 2 of 1,612,644 alleles (0.00012%); highest among the groups gnomAD compares: Non-Finnish European, 0.00017%; no homozygotes.

Submission:

PreventionGenetics, part of Exact Sciences
Classification: Likely pathogenic for IFT172-related condition. Last evaluated: 2025-06-26. Review status: criteria provided, single submitter. Criteria: ACMG Guidelines, 2015. Collection method: clinical testing. Allele origin: germline.
Comment: The IFT172 c.615G>A variant is predicted to result in premature protein termination (p.Trp205*). To our knowledge, this variant has not been reported in the literature or in a large population database (gnomAD), indicating this variant is rare. Nonsense variants in IFT172 are expected to be pathogenic. This variant is interpreted as likely pathogenic.